The following is an entry in ClinVar:

ClinVar aggregate classification (germline): Conflicting classifications of pathogenicity. Review status: criteria provided, conflicting classifications (1 of 4 stars). 3 submissions from 3 submitters: Uncertain significance (1); Likely benign (2). Last evaluated 2025-10-21.

Conditions:
SPG11-related disorder. Also called: SPG11-related condition.

Allele frequency attached by ClinVar (database versions not stated): gnomAD exomes below 0.00001; gnomAD 0.00001; TOPMed 0.00001.
gnomAD v4.1: 4 of 1,613,772 alleles (0.00025%); highest among the groups gnomAD compares: Admixed American, 0.0017%; no homozygotes.

Submissions (3):

PreventionGenetics, part of Exact Sciences
Classification: Likely benign for SPG11-related condition. Last evaluated: 2025-10-21. Review status: criteria provided, single submitter. Criteria: ACMG Guidelines, 2015. Collection method: clinical testing. Allele origin: germline.
Comment: This variant is classified as likely benign based on ACMG/AMP sequence variant interpretation guidelines (Richards et al. 2015 PMID: 25741868, with internal and published modifications).

Blueprint Genetics
Classification: Likely benign. Last evaluated: 2024-09-19. Review status: criteria provided, single submitter. Criteria: ACMG Guidelines, 2015. Collection method: clinical testing. Allele origin: germline.

Women's Health and Genetics/Laboratory Corporation of America, LabCorp
Classification: Uncertain significance. Last evaluated: 2024-01-20. Review status: criteria provided, single submitter. Criteria: LabCorp Variant Classification Summary - May 2015. Collection method: clinical testing. Allele origin: germline.
Comment: Variant summary: SPG11 c.6756G>A (p.Glu2252Glu) alters a conserved nucleotide located close to a canonical splice site and therefore could affect mRNA splicing, leading to a significantly altered protein sequence. Consensus agreement among computation tools predict no significant impact on normal splicing. However, these predictions have yet to be confirmed by functional studies. The variant was absent in 251140 control chromosomes. The available data on variant occurrences in the general population are insufficient to allow any conclusion about variant significance. To our knowledge, no occurrence of c.6756G>A in individuals affected with Hereditary Spastic Paraplegia, Type 11 and no experimental evidence demonstrating its impact on protein function have been reported. No submitters have cited clinical-significance assessments for this variant to ClinVar. Based on the evidence outlined above, the variant was classified as uncertain significance.

NM_025137.4(SPG11):c.6756G>A (p.Glu2252=)

Gene: SPG11 (SPG11 vesicle trafficking associated, spatacsin; minus strand). Cytogenetic location: 15q21.1.
Variant type: single nucleotide variant.
Coding change: c.6756G>A on transcript NM_025137.4 (MANE Select); coding-DNA position 6756, G replaced by A.
Protein change: p.Glu2252=; no amino-acid change (glutamic acid 2252 retained).
Molecular consequence: synonymous variant.
Genome position (GRCh38, 1-based): chr15:44,566,304, C>T on the plus strand (G>A on the coding strand, the complement: SPG11 is on the minus strand). VCF-style: chr15-44566304-C-T. GRCh37 (hg19) VCF-style: chr15-44858502-C-T.
Other names: c.6417G>A, p.Glu2139= (NM_001160227.2); c.6612G>A, p.Glu2204= (NM_001411132.1); c.6756G>A (NM_025137.3).
Identifiers: ClinVar variation 3064014 (VCV003064014.3), dbSNP rs1470576889, ClinGen allele CA490202763.